The following is an entry in ClinVar:

NM_000057.4(BLM):c.1223G>A (p.Arg408Lys)

Gene: BLM (BLM RecQ like helicase; plus strand). Cytogenetic location: 15q26.1.
Variant type: single nucleotide variant.
Coding change: c.1223G>A on transcript NM_000057.4 (MANE Select); coding-DNA position 1223, G replaced by A.
Protein change: p.Arg408Lys; replaces arginine 408 with lysine.
Molecular consequence: missense variant.
Genome position (GRCh38, 1-based): chr15:90,760,596, G>A. VCF-style: chr15-90760596-G-A. GRCh37 (hg19) VCF-style: chr15-91303826-G-A.
Other names: c.1223G>A, p.Arg408Lys (NM_001287246.2, NM_001287247.2); c.98G>A, p.Arg33Lys (NM_001287248.2); short protein forms R408K, R33K.
Identifiers: ClinVar variation 524819 (VCV000524819.12), dbSNP rs1338335954, ClinGen allele CA393842592.

ClinVar aggregate classification (germline): Uncertain significance. Review status: criteria provided, multiple submitters, no conflicts (2 of 4 stars). 2 submissions from 2 submitters: Uncertain significance (2). Last evaluated 2025-11-26.

Conditions:
Hereditary cancer-predisposing syndrome. Also called: Neoplastic Syndromes, Hereditary; Hereditary neoplastic syndrome; Tumor predisposition; Hereditary Cancer Syndrome. Identifiers: Orphanet 140162, MedGen C0027672, MeSH D009386, MONDO:0015356.
Bloom syndrome (BLM). Also called: Bloom-Torre-Machacek syndrome. Identifiers: Orphanet 125, MedGen C0005859, MONDO:0008876, OMIM 210900.

Allele frequency attached by ClinVar (database versions not stated): gnomAD exomes below 0.00001; gnomAD 0.00001.

Submissions (2):

Labcorp Genetics (formerly Invitae), Labcorp
Classification: Uncertain significance for Bloom syndrome. Last evaluated: 2025-11-26. Review status: criteria provided, single submitter. Criteria: Invitae Variant Classification Sherloc (09022015). Collection method: clinical testing. Allele origin: germline.
Comment: This sequence change replaces arginine, which is basic and polar, with lysine, which is basic and polar, at codon 408 of the BLM protein (p.Arg408Lys). This variant is not present in population databases (gnomAD no frequency). This variant has not been reported in the literature in individuals affected with BLM-related conditions. ClinVar contains an entry for this variant (Variation ID: 524819). An algorithm developed to predict the effect of missense changes on protein structure and function outputs the following: PolyPhen-2: "Benign". The lysine amino acid residue is found in multiple mammalian species, which suggests that this missense change does not adversely affect protein function. RNA analysis performed to evaluate the impact of this missense change on mRNA splicing indicates it does not significantly alter splicing (internal data). In summary, the available evidence is currently insufficient to determine the role of this variant in disease. Therefore, it has been classified as a Variant of Uncertain Significance.

Ambry Genetics
Classification: Uncertain significance for Hereditary cancer-predisposing syndrome. Last evaluated: 2024-05-22. Review status: criteria provided, single submitter. Criteria: Ambry Variant Classification Scheme 2023. Collection method: clinical testing. Allele origin: germline.
Comment: The p.R408K variant (also known as c.1223G>A), located in coding exon 6 of the BLM gene, results from a G to A substitution at nucleotide position 1223. The arginine at codon 408 is replaced by lysine, an amino acid with highly similar properties. This amino acid position is conserved. In addition, this alteration is predicted to be tolerated by in silico analysis. Since supporting evidence is limited at this time, the clinical significance of this alteration remains unclear.